The following is an entry in ClinVar:

NM_014252.4(SLC25A15):c.815C>T (p.Thr272Ile)

Gene: SLC25A15 (solute carrier family 25 member 15; plus strand). Cytogenetic location: 13q14.11.
Variant type: single nucleotide variant.
Coding change: c.815C>T on transcript NM_014252.4 (MANE Select); coding-DNA position 815, C replaced by T.
Protein change: p.Thr272Ile; replaces threonine 272 with isoleucine.
Molecular consequence: missense variant.
Genome position (GRCh38, 1-based): chr13:40,809,576, C>T. VCF-style: chr13-40809576-C-T. GRCh37 (hg19) VCF-style: chr13-41383712-C-T.
Other names: short protein forms T272I.
Identifiers: ClinVar variation 5999 (VCV000005999.15), dbSNP rs121908535, ClinGen allele CA340494.

ClinVar aggregate classification (germline): Pathogenic/Likely pathogenic. Review status: criteria provided, multiple submitters, no conflicts (2 of 4 stars). 7 submissions from 7 submitters: Pathogenic (2); Likely pathogenic (3). 2 of the submissions do not count toward it. Last evaluated 2025-11-10.

Conditions:
Congenital portosystemic shunt. Identifiers: Orphanet 480531, MedGen C1290495, MONDO:0018811.
Hyperornithinemia-hyperammonemia-homocitrullinuria syndrome (HHHS). Also called: HHH SYNDROME; Ornithine translocase deficiency. Identifiers: Orphanet 415, MedGen C0268540, MONDO:0009393, OMIM 238970.

Allele frequency attached by ClinVar (database versions not stated): 1000 Genomes Project 30x 0.00016; 1000 Genomes Project 0.00020; gnomAD exomes 0.00001 and 0.00007; ExAC 0.00007; TOPMed 0.00003; gnomAD 0.00004.
gnomAD v4.1: 21 of 1,612,024 alleles (0.0013%); highest among the groups gnomAD compares: East Asian, 0.047%; no homozygotes.

Submissions (7):

Natera, Inc.
Classification: Likely pathogenic for Hyperornithinemia-hyperammonemia-homocitrullinuria syndrome. Last evaluated: 2025-11-10. Review status: criteria provided, single submitter. Criteria: Natera Variant Classification Schema (03/2026). Collection method: clinical testing. Allele origin: germline.
Comment: The c.815C>T variant in SLC25A15 is a missense variant predicted to cause substitution of threonine to isoleucine at amino acid 272. This variant is rare in the general population with a frequency below the threshold expected for the associated phenotype(s). This variant has been observed in one or more individuals affected with the associated recessive disease, as either homozygous or compound heterozygous with a second variant (PMID: 24473688, 25874378). Additionally, this variant has been observed to segregate in affected family members (PMID: 24473688). This variant has been identified in one or more affected individual with a phenotype highly consistent with the associated gene (PMID: 24473688). Computational prediction algorithms indicate this variant is likely to affect gene or protein function. Given the available evidence, this variant is classified as Likely Pathogenic.

First Genomix Gene Laboratory, Genetic Diagnostics Department
Classification: Pathogenic for Hyperornithinemia-hyperammonemia-homocitrullinuria syndrome. Last evaluated: 2025-08-01. Review status: criteria provided, single submitter. Criteria: ACMG Guidelines, 2015. Collection method: clinical testing. Allele origin: germline. Inheritance: Autosomal recessive inheritance. Affected: no. Observed: 1 variant allele.

Labcorp Genetics (formerly Invitae), Labcorp
Classification: Pathogenic for Hyperornithinemia-hyperammonemia-homocitrullinuria syndrome. Last evaluated: 2024-08-06. Review status: criteria provided, single submitter. Criteria: Invitae Variant Classification Sherloc (09022015). Collection method: clinical testing. Allele origin: germline.
Comment: This sequence change replaces threonine, which is neutral and polar, with isoleucine, which is neutral and non-polar, at codon 272 of the SLC25A15 protein (p.Thr272Ile). This variant is present in population databases (rs121908535, gnomAD 0.09%). This missense change has been observed in individual(s) with hyperornithinemia-hyperammonemia-homocitrullinuria syndrome (PMID: 19242930, 24473688). In at least one individual the data is consistent with being in trans (on the opposite chromosome) from a pathogenic variant. It has also been observed to segregate with disease in related individuals. ClinVar contains an entry for this variant (Variation ID: 5999). Advanced modeling of protein sequence and biophysical properties (such as structural, functional, and spatial information, amino acid conservation, physicochemical variation, residue mobility, and thermodynamic stability) has been performed at Invitae for this missense variant, however the output from this modeling did not meet the statistical confidence thresholds required to predict the impact of this variant on SLC25A15 protein function. Experimental studies have shown that this missense change affects SLC25A15 function (PMID: 19242930). For these reasons, this variant has been classified as Pathogenic.

Fulgent Genetics
Classification: Likely pathogenic for Hyperornithinemia-hyperammonemia-homocitrullinuria syndrome. Last evaluated: 2023-12-27. Review status: criteria provided, single submitter. Criteria: ACMG Guidelines, 2015. Collection method: clinical testing. Allele origin: germline.

Juno Genomics, Hangzhou Juno Genomics, Inc
Classification: Likely pathogenic for Hyperornithinemia-hyperammonemia-homocitrullinuria syndrome. Review status: criteria provided, single submitter. Criteria: ACMG Guidelines, 2015. Collection method: clinical testing. Allele origin: germline.
Comment: Well-established in vitro or in vivo functional studies supportive of a damaging effect on the gene or gene product.;For recessive disorders, detected in trans with a pathogenic variant.;Patient's phenotype or family history is highly specific for a disease with a single genetic etiology.;Co-segregation with disease in multiple affected family members.

OMIM
Classification: Pathogenic for HHH SYNDROME. Last evaluated: 2009-05-01. Review status: no assertion criteria provided. Collection method: literature only. Allele origin: germline. Not counted in ClinVar's aggregate classification.

Department of Pediatrics, Graduate School of Medical Sciences, Kyushu University
Classification: Uncertain significance for Congenital portosystemic shunt. Last evaluated: 2026-02-27. Review status: flagged submission. Criteria: ACMG Guidelines, 2015. Collection method: research. Allele origin: germline. Affected: yes. Not counted in ClinVar's aggregate classification.
Comment: The variant is rare in population databases. Although loss-of-function variants in this gene have been reported in other disorders, an association between this gene and CPSS has not been established. Therefore, the clinical significance of this variant in relation to CPSS is currently classified as a variant of uncertain significance (VUS).
ClinVar note: Reason: Outlier claim with insufficient supporting evidence

Literature cited by the submitters: PubMed 24473688 (cited by Natera, Inc. and Labcorp Genetics (formerly Invitae), Labcorp); PubMed 25874378 (cited by Natera, Inc.); PubMed 19242930 (cited by Labcorp Genetics (formerly Invitae), Labcorp and OMIM).